The following is an entry in ClinVar:

ClinVar aggregate classification (germline): Uncertain significance. Review status: criteria provided, multiple submitters, no conflicts (2 of 4 stars). 2 submissions from 2 submitters: Uncertain significance (2). Last evaluated 2024-03-19.

Conditions:
Hyperkalemic periodic paralysis. Also called: Familial hyperkalemic periodic paralysis; Gamstorp disease. Identifiers: Orphanet 682, MedGen C0238357, MONDO:0008224, OMIM 170500, HP:0007215.
Congenital myopathy 22A, classic (CMYO22A). Identifiers: MedGen C5830453, MONDO:0957247, OMIM 620351.
Congenital myopathy 22B, severe fetal (CMYO22B). Identifiers: MedGen C5830501, MONDO:0957265, OMIM 620369.
Congenital myasthenic syndrome 16. Identifiers: Orphanet 590, MedGen C3280112, MONDO:0013620, OMIM 614198.
Hypokalemic periodic paralysis, type 2 (HOKPP2). Identifiers: Orphanet 681, MedGen C2750061, MONDO:0013234, OMIM 613345.
Paramyotonia congenita of Von Eulenburg. Also called: PARALYSIS PERIODICA PARAMYOTONICA; Paramyotonia Congenita; Eulenburg disease; Myotonia congenita intermittens; Von Eulenburg paramyotonia congenita. Identifiers: Orphanet 684, MedGen C0221055, MONDO:0008195, OMIM 168300. Disease mechanism: loss of function.
Potassium-aggravated myotonia. Also called: MYOTONIA CONGENITA, ACETAZOLAMIDE-RESPONSIVE; MYOTONIA CONGENITA, ATYPICAL; SODIUM CHANNEL MUSCLE DISEASE; Myotonia congenita, atypical, acetazolamide-responsive. Identifiers: Orphanet 612, Orphanet 99734, Orphanet 99735, Orphanet 99736, MedGen C2931826, MONDO:0018959, OMIM 608390.

Allele frequency attached by ClinVar (database versions not stated): gnomAD exomes below 0.00001; 1000 Genomes Project 30x 0.00016; 1000 Genomes Project 0.00020.

Submissions (2):

Fulgent Genetics
Classification: Uncertain significance for Paramyotonia congenita of Von Eulenburg; Hyperkalemic periodic paralysis; Potassium-aggravated myotonia; Hypokalemic periodic paralysis, type 2; Congenital myasthenic syndrome 16; Congenital myopathy 22A, classic; Congenital myopathy 22B, severe fetal. Last evaluated: 2024-03-19. Review status: criteria provided, single submitter. Criteria: ACMG Guidelines, 2015. Collection method: clinical testing. Allele origin: germline.

Labcorp Genetics (formerly Invitae), Labcorp
Classification: Uncertain significance for Hyperkalemic periodic paralysis. Last evaluated: 2023-03-01. Review status: criteria provided, single submitter. Criteria: Invitae Variant Classification Sherloc (09022015). Collection method: clinical testing. Allele origin: germline.
Comment: In summary, the available evidence is currently insufficient to determine the role of this variant in disease. Therefore, it has been classified as a Variant of Uncertain Significance. Algorithms developed to predict the effect of missense changes on protein structure and function output the following: SIFT: "Not Available"; PolyPhen-2: "Benign"; Align-GVGD: "Not Available". The serine amino acid residue is found in multiple mammalian species, which suggests that this missense change does not adversely affect protein function. This sequence change replaces glycine, which is neutral and non-polar, with serine, which is neutral and polar, at codon 314 of the SCN4A protein (p.Gly314Ser). This variant is not present in population databases (gnomAD no frequency). This variant has not been reported in the literature in individuals affected with SCN4A-related conditions.

NM_000334.4(SCN4A):c.940G>A (p.Gly314Ser)

Gene: SCN4A (sodium voltage-gated channel alpha subunit 4; minus strand). Cytogenetic location: 17q23.3.
Variant type: single nucleotide variant.
Coding change: c.940G>A on transcript NM_000334.4 (MANE Select); coding-DNA position 940, G replaced by A.
Protein change: p.Gly314Ser; replaces glycine 314 with serine.
Molecular consequence: missense variant.
Genome position (GRCh38, 1-based): chr17:63,968,119, C>T on the plus strand (G>A on the coding strand, the complement: SCN4A is on the minus strand). VCF-style: chr17-63968119-C-T. GRCh37 (hg19) VCF-style: chr17-62045479-C-T.
Other names: short protein forms G314S.
Identifiers: ClinVar variation 2715201 (VCV002715201.4), dbSNP rs575390627, ClinGen allele CA292971901.